The following is an entry in ClinVar:

NM_001128425.2(MUTYH):c.36+230A>G

Gene: MUTYH (mutY DNA glycosylase; minus strand). Cytogenetic location: 1p34.1.
Variant type: single nucleotide variant.
Coding change: c.36+230A>G on transcript NM_001128425.2 (MANE Plus Clinical); 230 bases into the intron after coding-DNA position 36, A replaced by G.
Molecular consequence: intron variant. On other transcripts: 5 prime UTR variant (11), non-coding transcript variant (4).
Genome position (GRCh38, 1-based): chr1:45,339,989, T>C on the plus strand (A>G on the coding strand, the complement: MUTYH is on the minus strand). VCF-style: chr1-45339989-T-C. GRCh37 (hg19) VCF-style: chr1-45805661-T-C.
Other names: c.-20A>G (NM_001048172.2, NM_001048173.2, NM_001407077.1 and 3 more transcripts); c.-232A>G (NM_001293196.2); c.-176A>G (NM_001407075.1); c.-170A>G (NM_001407078.1, NM_001407081.1); c.-227A>G (NM_001407082.1); c.-7+234A>G (NM_001407072.1); c.-214+230A>G (NM_001350651.2); c.-219+230A>G (NM_001293192.2); and 4 more.
Identifiers: ClinVar variation 3381827 (VCV003381827.1).

ClinVar aggregate classification (germline): Likely benign (1 of 4 stars; one submission).

Conditions:
Hereditary cancer-predisposing syndrome. Also called: Neoplastic Syndromes, Hereditary; Tumor predisposition; Hereditary Cancer Syndrome; Hereditary neoplastic syndrome. Identifiers: Orphanet 140162, MedGen C0027672, MeSH D009386, MONDO:0015356.

gnomAD v4.1: 14 of 1,534,850 alleles (0.00091%); highest among the groups gnomAD compares: African/African-American, 0.0069%; no homozygotes.

Submission:

Institute for Biomarker Research, Medical Diagnostic Laboratories, L.L.C.
Classification: Likely benign for Hereditary cancer-predisposing syndrome. Last evaluated: 2024-10-22. Review status: criteria provided, single submitter. Criteria: ACMG Guidelines, 2015. Collection method: clinical testing. Allele origin: germline.
Comment: The intron variant NM_001128425.2(MUTYH):c.36+230A>G has not been reported previously as a pathogenic variant nor as a benign variant, to our knowledge. The c.36+230A>G variant is novel (not in any individuals) in gnomAD. The c.36+230A>G variant is novel (not in any individuals) in 1kG. The c.36+230A>G variant is not predicted to disrupt an existing splice site. The c.36+230A>G variant results in a substitution of a base that is not predicted conserved by GERP++ and PhyloP. For these reasons, this variant has been classified as Likely Benign